The following is an entry in ClinVar:

ClinVar aggregate classification (germline): Uncertain significance (1 of 4 stars; one submission).

Conditions:
Baller-Gerold syndrome (BGS). Also called: CRANIOSYNOSTOSIS WITH RADIAL DEFECTS. Identifiers: Orphanet 1225, MedGen C0265308, MONDO:0009039, OMIM 218600.

Allele frequency attached by ClinVar (database versions not stated): gnomAD exomes below 0.00001.
gnomAD v4.1: 5 of 1,609,394 alleles (0.00031%); highest among the groups gnomAD compares: Non-Finnish European, 0.00042%; no homozygotes.

Submission:

Labcorp Genetics (formerly Invitae), Labcorp
Classification: Uncertain significance for Baller-Gerold syndrome. Last evaluated: 2020-12-04. Review status: criteria provided, single submitter. Criteria: Invitae Variant Classification Sherloc (09022015). Collection method: clinical testing. Allele origin: germline.
Comment: Algorithms developed to predict the effect of sequence changes on RNA splicing suggest that this variant may disrupt the consensus splice site, but this prediction has not been confirmed by published transcriptional studies. In summary, the available evidence is currently insufficient to determine the role of this variant in disease. Therefore, it has been classified as a Variant of Uncertain Significance. Algorithms developed to predict the effect of missense changes on protein structure and function output the following: SIFT: "Tolerated"; PolyPhen-2: "Not available"; Align-GVGD: "Class C0". The arginine amino acid residue is found in multiple mammalian species, suggesting that this missense change does not adversely affect protein function. These predictions have not been confirmed by published functional studies and their clinical significance is uncertain. This sequence change replaces glutamine with arginine at codon 118 of the RECQL4 protein (p.Gln118Arg). The glutamine residue is moderately conserved and there is a small physicochemical difference between glutamine and arginine. This variant is not present in population databases (ExAC no frequency). This variant has not been reported in the literature in individuals with RECQL4-related disease.

NM_004260.4(RECQL4):c.353A>G (p.Gln118Arg)

Gene: RECQL4 (RecQ like helicase 4; minus strand). Cytogenetic location: 8q24.3.
Variant type: single nucleotide variant.
Coding change: c.353A>G on transcript NM_004260.4 (MANE Select); coding-DNA position 353, A replaced by G.
Protein change: p.Gln118Arg; replaces glutamine 118 with arginine.
Molecular consequence: missense variant.
Genome position (GRCh38, 1-based): chr8:144,517,051, T>C on the plus strand (A>G on the coding strand, the complement: RECQL4 is on the minus strand). VCF-style: chr8-144517051-T-C. GRCh37 (hg19) VCF-style: chr8-145742435-T-C.
Other names: short protein forms Q118R.
Identifiers: ClinVar variation 574898 (VCV000574898.4), dbSNP rs757435100, ClinGen allele CA187690420.
Genomic context (GRCh38, chr8:144,517,051, plus strand): 5'-GACCCGGACCGGAAGCAGCTGTGGACCTAGCGTGGACTCACTGCCTGCCCACTCCTCACC[T>C]GCAGGGTGCCTTTCAGATTGGCCTTGAGCCGCTGCCCGTAGTCCGGCACCGAGCCCTGGC-3'
Protein context (NP_004251.4, residues 108-128): RLKANLKGTL[Gln118Arg]AGPALGRRPW